The following is an entry in ClinVar:

NM_000059.4(BRCA2):c.2556C>G (p.Asn852Lys)

Gene: BRCA2 (BRCA2 DNA repair associated; plus strand). Cytogenetic location: 13q13.1.
Variant type: single nucleotide variant.
Coding change: c.2556C>G on transcript NM_000059.4 (MANE Select); coding-DNA position 2556, C replaced by G.
Protein change: p.Asn852Lys; replaces asparagine 852 with lysine.
Molecular consequence: missense variant.
Genome position (GRCh38, 1-based): chr13:32,336,911, C>G. VCF-style: chr13-32336911-C-G. GRCh37 (hg19) VCF-style: chr13-32911048-C-G.
Other names: short protein forms N852K.
Identifiers: ClinVar variation 631035 (VCV000631035.6), dbSNP rs1566226932, ClinGen allele CA387772536.
Genomic context (GRCh38, chr13:32,336,911, plus strand): 5'-GCTGTTGCCACCTGAAAAATACATGAGAGTAGCATCACCTTCAAGAAAGGTACAATTCAA[C>G]CAAAACACAAATCTAAGAGTAATCCAAAAAAATCAAGAAGAAACTACTTCAATTTCAAAA-3'
Protein context (NP_000050.3, residues 842-862): VASPSRKVQF[Asn852Lys]QNTNLRVIQK

ClinVar aggregate classification (germline): Conflicting classifications of pathogenicity. Review status: criteria provided, conflicting classifications (1 of 4 stars). 3 submissions from 3 submitters: Uncertain significance (2); Likely benign (1). Last evaluated 2025-12-01.

Conditions:
Hereditary cancer-predisposing syndrome. Also called: Tumor predisposition; Neoplastic Syndromes, Hereditary; Hereditary neoplastic syndrome; Hereditary Cancer Syndrome. Identifiers: Orphanet 140162, MedGen C0027672, MeSH D009386, MONDO:0015356.
Hereditary breast ovarian cancer syndrome. Also called: Hereditary breast and ovarian cancer; Hereditary breast and ovarian cancer syndrome (HBOC); Breast and ovarian cancer; Hereditary breast and ovarian cancer syndrome; BRCA1- and BRCA2-Associated Hereditary Breast and Ovarian Cancer; Hereditary breast and/or ovarian cancer syndrome. Identifiers: Orphanet 145, MedGen C0677776, MeSH D061325, MONDO:0003582. Disease mechanism: loss of function.

Submissions (3):

Labcorp Genetics (formerly Invitae), Labcorp
Classification: Uncertain significance for Hereditary breast ovarian cancer syndrome. Last evaluated: 2025-12-01. Review status: criteria provided, single submitter. Criteria: Invitae Variant Classification Sherloc (09022015). Collection method: clinical testing. Allele origin: germline.
Comment: This sequence change replaces asparagine, which is neutral and polar, with lysine, which is basic and polar, at codon 852 of the BRCA2 protein (p.Asn852Lys). This variant is not present in population databases (gnomAD no frequency). This variant has not been reported in the literature in individuals affected with BRCA2-related conditions. ClinVar contains an entry for this variant (Variation ID: 631035). Invitae Evidence Modeling of protein sequence and biophysical properties (such as structural, functional, and spatial information, amino acid conservation, physicochemical variation, residue mobility, and thermodynamic stability) indicates that this missense variant is not expected to disrupt BRCA2 protein function with a negative predictive value of 95%. In summary, the available evidence is currently insufficient to determine the role of this variant in disease. Therefore, it has been classified as a Variant of Uncertain Significance.

University of Washington Department of Laboratory Medicine, University of Washington
Classification: Likely benign for Hereditary cancer-predisposing syndrome. Last evaluated: 2023-03-23. Review status: criteria provided, single submitter. Criteria: Dines et al. (Genet Med. 2020). Collection method: curation. Allele origin: germline.
Comment: Missense variant in a coldspot region where missense variants are very unlikely to be pathogenic (PMID:31911673).

BRCA2 exon 11 coldspot. Reclassification based on statistical prior probability.

Color Diagnostics, LLC DBA Color Health
Classification: Uncertain significance for Hereditary cancer-predisposing syndrome. Last evaluated: 2019-06-22. Review status: criteria provided, single submitter. Criteria: ACMG Guidelines, 2015. Collection method: clinical testing. Allele origin: germline.